The following is an entry in ClinVar:

NM_020754.4(ARHGAP31):c.540-5G>A

Gene: ARHGAP31 (Rho GTPase activating protein 31; plus strand). Cytogenetic location: 3q13.33.
Variant type: single nucleotide variant.
Coding change: c.540-5G>A on transcript NM_020754.4 (MANE Select); 5 bases into the intron before coding-DNA position 540, G replaced by A.
Molecular consequence: intron variant.
Genome position (GRCh38, 1-based): chr3:119,383,079, G>A. VCF-style: chr3-119383079-G-A. GRCh37 (hg19) VCF-style: chr3-119101926-G-A.
Identifiers: ClinVar variation 1308380 (VCV001308380.2), dbSNP rs1183202197, ClinGen allele CA1396535725.

ClinVar aggregate classification (germline): Uncertain significance (1 of 4 stars; one submission).

Allele frequency attached by ClinVar (database versions not stated): TOPMed below 0.00001.
gnomAD v4.1: 12 of 1,614,068 alleles (0.00074%); highest among the groups gnomAD compares: South Asian, 0.0033%; no homozygotes.

Submission:

GeneDx
Classification: Uncertain significance. Last evaluated: 2019-03-29. Review status: criteria provided, single submitter. Criteria: GeneDx Variant Classification Process June 2021. Collection method: clinical testing. Allele origin: germline. Affected: yes.
Comment: Not observed in large population cohorts (Lek et al., 2016); Has not been previously published as pathogenic or benign to our knowledge; In silico analysis, which includes splice predictors and evolutionary conservation, suggests this variant may impact gene splicing. In the absence of RNA/functional studies, the actual effect of this sequence change is unknown.